The following is an entry in ClinVar:

ClinVar aggregate classification (germline): Uncertain significance. Review status: criteria provided, multiple submitters, no conflicts (2 of 4 stars). 5 submissions from 5 submitters: Uncertain significance (5). Last evaluated 2025-07-25.

Conditions:
Cardiovascular phenotype. Identifiers: MedGen CN230736.
Arrhythmogenic right ventricular cardiomyopathy (ARVD). Also called: Cardiomyopathy, ARVC; Arrhythmogenic right ventricular dysplasia; Arrhythmogenic cardiomyopathy; Arrhythmogenic Right Ventricular Cardiomyopathy (ARVC). Identifiers: Orphanet 247, MedGen C0349788, MeSH D019571, MONDO:0016587. Disease mechanism: loss of function. Inheritance: Various modes of inheritance.
Cardiomyopathy (CMYO). Also called: Cardiomyopathies. Identifiers: Orphanet 167848, MedGen C0878544, MONDO:0004994, HP:0001638. Inheritance: Various modes of inheritance.
Arrhythmogenic right ventricular dysplasia 9 (ARVD9). Also called: Arrhythmogenic Right Ventricular Dysplasia/Cardiomyopathy 9; ARRHYTHMOGENIC RIGHT VENTRICULAR DYSPLASIA, FAMILIAL, 9. Identifiers: MedGen C1836906, MONDO:0012180, OMIM 609040.

Allele frequency attached by ClinVar (database versions not stated): ExAC 0.00001; gnomAD exomes 0.00001; TOPMed 0.00001.
gnomAD v4.1: 3 of 1,612,340 alleles (0.00019%); highest among the groups gnomAD compares: Admixed American, 0.005%; no homozygotes.

Submissions (5):

Color Diagnostics, LLC DBA Color Health
Classification: Uncertain significance for Cardiomyopathy. Last evaluated: 2025-07-25. Review status: criteria provided, single submitter. Criteria: ACMG Guidelines, 2015. Collection method: clinical testing. Allele origin: germline.
Comment: This missense variant replaces proline with alanine at codon 779 of the PKP2 protein. Computational prediction suggests that this variant may not impact protein structure and function. To our knowledge, functional studies have not been reported for this variant. This variant has not been reported in individuals affected with PKP2-related disorders in the literature. This variant has been identified in 2/251328 chromosomes in the general population by the Genome Aggregation Database (gnomAD). The available evidence is insufficient to determine the role of this variant in disease conclusively. Therefore, this variant is classified as a Variant of Uncertain Significance.

GeneDx
Classification: Uncertain significance. Last evaluated: 2024-12-03. Review status: criteria provided, single submitter. Criteria: GeneDx Variant Classification Process June 2021. Collection method: clinical testing. Allele origin: germline. Affected: yes.
Comment: Not observed at significant frequency in large population cohorts (gnomAD); In silico analysis supports that this missense variant has a deleterious effect on protein structure/function; Has not been previously published as pathogenic or benign to our knowledge

Ambry Genetics
Classification: Uncertain significance for Cardiovascular phenotype. Last evaluated: 2024-10-14. Review status: criteria provided, single submitter. Criteria: Ambry Variant Classification Scheme 2023. Collection method: clinical testing. Allele origin: germline.
Comment: The p.P779A variant (also known as c.2335C>G), located in coding exon 12 of the PKP2 gene, results from a C to G substitution at nucleotide position 2335. The proline at codon 779 is replaced by alanine, an amino acid with highly similar properties. This amino acid position is highly conserved in available vertebrate species. In addition, the in silico prediction for this alteration is inconclusive. Based on the available evidence, the clinical significance of this variant remains unclear.

All of Us Research Program, National Institutes of Health
Classification: Uncertain significance for Arrhythmogenic right ventricular cardiomyopathy. Last evaluated: 2024-06-11. Review status: criteria provided, single submitter. Criteria: ACMG Guidelines, 2015. Collection method: clinical testing. Allele origin: germline. Inheritance: Autosomal dominant inheritance. Observed: 2 variant alleles, 2 heterozygotes.
Comment: This missense variant replaces proline with alanine at codon 779 of the PKP2 protein. Computational prediction suggests that this variant may not impact protein structure and function (internally defined REVEL score threshold <= 0.5, PMID: 27666373). To our knowledge, functional studies have not been reported for this variant. This variant has not been reported in individuals affected with PKP2-related disorders in the literature. This variant has been identified in 2/251328 chromosomes in the general population by the Genome Aggregation Database (gnomAD). The available evidence is insufficient to determine the role of this variant in disease conclusively. Therefore, this variant is classified as a Variant of Uncertain Significance.

This study involves interpretation of variants in research participants for the purpose of population health screening. Participant phenotype was not available at the time of variant classification. Additional details can be found in publication PMID: 35346344, PMCID: PMC8962531

Labcorp Genetics (formerly Invitae), Labcorp
Classification: Uncertain significance for Arrhythmogenic right ventricular dysplasia 9. Last evaluated: 2024-04-02. Review status: criteria provided, single submitter. Criteria: Invitae Variant Classification Sherloc (09022015). Collection method: clinical testing. Allele origin: germline.
Comment: This sequence change replaces proline, which is neutral and non-polar, with alanine, which is neutral and non-polar, at codon 779 of the PKP2 protein (p.Pro779Ala). This variant is present in population databases (rs757565158, gnomAD 0.003%). This variant has not been reported in the literature in individuals affected with PKP2-related conditions. ClinVar contains an entry for this variant (Variation ID: 1789765). An algorithm developed to predict the effect of missense changes on protein structure and function (PolyPhen-2) suggests that this variant is likely to be disruptive. In summary, the available evidence is currently insufficient to determine the role of this variant in disease. Therefore, it has been classified as a Variant of Uncertain Significance.

NM_001005242.3(PKP2):c.2203C>G (p.Pro735Ala)

Gene: PKP2 (plakophilin 2; minus strand). Cytogenetic location: 12p11.21.
Variant type: single nucleotide variant.
Coding change: c.2203C>G on transcript NM_001005242.3 (MANE Select); coding-DNA position 2203, C replaced by G.
Protein change: p.Pro735Ala; replaces proline 735 with alanine.
Molecular consequence: missense variant.
Genome position (GRCh38, 1-based): chr12:32,796,263, G>C on the plus strand (C>G on the coding strand, the complement: PKP2 is on the minus strand). VCF-style: chr12-32796263-G-C. GRCh37 (hg19) VCF-style: chr12-32949197-G-C.
Other names: c.2038C>G, p.Pro680Ala (NM_001407156.1); c.1876C>G, p.Pro626Ala (NM_001407158.1, NM_001407159.1); c.2335C>G, p.Pro779Ala (NM_004572.4); short protein forms P626A, P735A, P680A, P779A.
Identifiers: ClinVar variation 1789765 (VCV001789765.10), dbSNP rs757565158, ClinGen allele CA034783.